The following is an entry in ClinVar:

NM_005918.4(MDH2):c.572G>C (p.Arg191Pro)

Gene: MDH2 (malate dehydrogenase 2; plus strand). Cytogenetic location: 7q11.23.
Variant type: single nucleotide variant.
Coding change: c.572G>C on transcript NM_005918.4 (MANE Select); coding-DNA position 572, G replaced by C.
Protein change: p.Arg191Pro; replaces arginine 191 with proline.
Molecular consequence: missense variant.
Genome position (GRCh38, 1-based): chr7:76,063,531, G>C. VCF-style: chr7-76063531-G-C. GRCh37 (hg19) VCF-style: chr7-75692849-G-C.
Other names: c.446G>C, p.Arg149Pro (NM_001282403.2); c.251G>C, p.Arg84Pro (NM_001282404.2); short protein forms R191P, R149P, R84P.
Identifiers: ClinVar variation 3293839 (VCV003293839.2).

ClinVar aggregate classification (germline): Uncertain significance. Review status: criteria provided, multiple submitters, no conflicts (2 of 4 stars). 2 submissions from 2 submitters: Uncertain significance (2). Last evaluated 2025-08-27.

Conditions:
Inborn genetic diseases. Identifiers: MedGen C0950123, MeSH D030342.

gnomAD v4.1: 20 of 1,614,208 alleles (0.0012%); highest among the groups gnomAD compares: East Asian, 0.038%; no homozygotes.

Submissions (2):

Labcorp Genetics (formerly Invitae), Labcorp
Classification: Uncertain significance. Last evaluated: 2025-08-27. Review status: criteria provided, single submitter. Criteria: Invitae Variant Classification Sherloc (09022015). Collection method: clinical testing. Allele origin: germline.
Comment: This sequence change replaces arginine, which is basic and polar, with proline, which is neutral and non-polar, at codon 191 of the MDH2 protein (p.Arg191Pro). This variant is present in population databases (rs201528060, gnomAD 0.08%). This variant has not been reported in the literature in individuals affected with MDH2-related conditions. ClinVar contains an entry for this variant (Variation ID: 3293839). Invitae Evidence Modeling of protein sequence and biophysical properties (such as structural, functional, and spatial information, amino acid conservation, physicochemical variation, residue mobility, and thermodynamic stability) indicates that this missense variant is not expected to disrupt MDH2 protein function with a negative predictive value of 80%. In summary, the available evidence is currently insufficient to determine the role of this variant in disease. Therefore, it has been classified as a Variant of Uncertain Significance.

Ambry Genetics
Classification: Uncertain significance for Inborn genetic diseases. Last evaluated: 2024-04-08. Review status: criteria provided, single submitter. Criteria: Ambry Variant Classification Scheme 2023. Collection method: clinical testing. Allele origin: germline.